The following is an entry in ClinVar:

NM_032977.4(CASP10):c.311G>A (p.Arg104Gln)

Gene: CASP10 (caspase 10; plus strand). Cytogenetic location: 2q33.1.
Variant type: single nucleotide variant.
Coding change: c.311G>A on transcript NM_032977.4 (MANE Select); coding-DNA position 311, G replaced by A.
Protein change: p.Arg104Gln; replaces arginine 104 with glutamine.
Molecular consequence: missense variant.
Genome position (GRCh38, 1-based): chr2:201,186,088, G>A. VCF-style: chr2-201186088-G-A. GRCh37 (hg19) VCF-style: chr2-202050811-G-A.
Other names: p.Arg104Gln; c.311G>A, p.Arg104Gln (NM_001206524.2, NM_001206542.2, NM_001230.5 and 3 more transcripts); short protein forms R104Q.
Identifiers: ClinVar variation 1057464 (VCV001057464.12), dbSNP rs748398291, ClinGen allele CA2052812.
Genomic context (GRCh38, chr2:201,186,088, plus strand): 5'-ATATCATACGGCAGAAGAAGCTGCTGCAGCACCTCAACTGTACCAAAGAGGAAGTGGAGC[G>A]ACTGCTGCCCACCCGACAAAGGGTTTCTCTGTTTAGGTGAGGACGGGTCTGTGGTGGAGA-3'
Protein context (NP_116759.2, residues 94-114): HLNCTKEEVE[Arg104Gln]LLPTRQRVSL

ClinVar aggregate classification (germline): Uncertain significance. Review status: criteria provided, multiple submitters, no conflicts (2 of 4 stars). 2 submissions from 2 submitters: Uncertain significance (2). Last evaluated 2023-07-03.

Conditions:
Autoimmune lymphoproliferative syndrome type 2A (ALPS2A). Also called: CASP10-Related Autoimmune Lymphoproliferative Syndrome; AUTOIMMUNE LYMPHOPROLIFERATIVE SYNDROME, TYPE IIA; Autoimmune lymphoproliferative syndrome type 2. Identifiers: Orphanet 3261, MedGen C1858968, MONDO:0011383, OMIM 603909.

Allele frequency attached by ClinVar (database versions not stated): ExAC 0.00001; gnomAD 0.00001; gnomAD exomes 0.00001.
gnomAD v4.1: 15 of 1,612,256 alleles (0.00093%); highest among the groups gnomAD compares: South Asian, 0.0055%; no homozygotes.

Submissions (2):

Mayo Clinic Laboratories, Mayo Clinic
Classification: Uncertain significance. Last evaluated: 2023-07-03. Review status: criteria provided, single submitter. Criteria: ACMG Guidelines, 2015. Collection method: clinical testing. Allele origin: germline. Observed: 1 variant allele.
Comment: BP4

Labcorp Genetics (formerly Invitae), Labcorp
Classification: Uncertain significance for Autoimmune lymphoproliferative syndrome type 2A. Last evaluated: 2022-09-13. Review status: criteria provided, single submitter. Criteria: Invitae Variant Classification Sherloc (09022015). Collection method: clinical testing. Allele origin: germline.
Comment: This sequence change replaces arginine, which is basic and polar, with glutamine, which is neutral and polar, at codon 104 of the CASP10 protein (p.Arg104Gln). This variant is present in population databases (rs748398291, gnomAD 0.006%). This variant has not been reported in the literature in individuals affected with CASP10-related conditions. ClinVar contains an entry for this variant (Variation ID: 1057464). Advanced modeling of protein sequence and biophysical properties (such as structural, functional, and spatial information, amino acid conservation, physicochemical variation, residue mobility, and thermodynamic stability) performed at Invitae indicates that this missense variant is not expected to disrupt CASP10 protein function. In summary, the available evidence is currently insufficient to determine the role of this variant in disease. Therefore, it has been classified as a Variant of Uncertain Significance.